The following is an entry in ClinVar:

NM_001364905.1(LRBA):c.7273G>A (p.Glu2425Lys)

Gene: LRBA (LPS responsive beige-like anchor protein; minus strand). Cytogenetic location: 4q31.3.
Variant type: single nucleotide variant.
Coding change: c.7273G>A on transcript NM_001364905.1 (MANE Select); coding-DNA position 7273, G replaced by A.
Protein change: p.Glu2425Lys; replaces glutamic acid 2425 with lysine.
Molecular consequence: missense variant.
Genome position (GRCh38, 1-based): chr4:150,350,081, C>T on the plus strand (G>A on the coding strand, the complement: LRBA is on the minus strand). VCF-style: chr4-150350081-C-T. GRCh37 (hg19) VCF-style: chr4-151271233-C-T.
Other names: c.7273G>A, p.Glu2425Lys (NM_001199282.3, NM_001367550.1, NM_001440431.1); c.7306G>A, p.Glu2436Lys (NM_001440430.1, NM_006726.5); c.976G>A, p.Glu326Lys (NM_001440432.1); c.970G>A, p.Glu324Lys (NM_001440433.1); short protein forms E2425K, E2436K, E324K, E326K.
Identifiers: ClinVar variation 5039741 (VCV005039741.1).

ClinVar aggregate classification (germline): Uncertain significance (1 of 4 stars; one submission).

gnomAD v4.1: 4 of 1,608,904 alleles (0.00025%); highest among the groups gnomAD compares: Non-Finnish European, 0.00034%; no homozygotes.

Submission:

CeGaT Center for Human Genetics Tuebingen
Classification: Uncertain significance. Last evaluated: 2026-08-01. Review status: criteria provided, single submitter. Criteria: CeGaT Center For Human Genetics Tuebingen Variant Classification Criteria Version 2. Collection method: clinical testing. Allele origin: germline. Affected: yes. Observed: 1 variant allele.
Comment: LRBA: PM2, PP3